The following is an entry in ClinVar:

ClinVar aggregate classification (germline): Uncertain significance (1 of 4 stars; one submission).

Conditions:
Alagille syndrome due to a JAG1 point mutation. Also called: Alagille Syndrome 1; HEPATIC DUCTULAR HYPOPLASIA, SYNDROMATIC; JAG1-Related Alagille Syndrome. Identifiers: Orphanet 261619, Orphanet 52, MedGen C1956125, MONDO:0016862, OMIM 118450.

Allele frequency attached by ClinVar (database versions not stated): TOPMed below 0.00001; gnomAD exomes 0.00001.
gnomAD v4.1: 7 of 1,614,156 alleles (0.00043%); highest among the groups gnomAD compares: Non-Finnish European, 0.00059%; no homozygotes.

Submission:

Labcorp Genetics (formerly Invitae), Labcorp
Classification: Uncertain significance for Alagille syndrome due to a JAG1 point mutation. Last evaluated: 2022-08-29. Review status: criteria provided, single submitter. Criteria: Invitae Variant Classification Sherloc (09022015). Collection method: clinical testing. Allele origin: germline.
Comment: In summary, the available evidence is currently insufficient to determine the role of this variant in disease. Therefore, it has been classified as a Variant of Uncertain Significance. Advanced modeling of protein sequence and biophysical properties (such as structural, functional, and spatial information, amino acid conservation, physicochemical variation, residue mobility, and thermodynamic stability) performed at Invitae indicates that this missense variant is not expected to disrupt JAG1 protein function. This variant has not been reported in the literature in individuals affected with JAG1-related conditions. This variant is not present in population databases (gnomAD no frequency). This sequence change replaces proline, which is neutral and non-polar, with leucine, which is neutral and non-polar, at codon 1185 of the JAG1 protein (p.Pro1185Leu).

NM_000214.3(JAG1):c.3554C>T (p.Pro1185Leu)

Gene: JAG1 (jagged canonical Notch ligand 1; minus strand). Cytogenetic location: 20p12.2.
Variant type: single nucleotide variant.
Coding change: c.3554C>T on transcript NM_000214.3 (MANE Select); coding-DNA position 3554, C replaced by T.
Protein change: p.Pro1185Leu; replaces proline 1185 with leucine.
Molecular consequence: missense variant.
Genome position (GRCh38, 1-based): chr20:10,639,601, G>A on the plus strand (C>T on the coding strand, the complement: JAG1 is on the minus strand). VCF-style: chr20-10639601-G-A. GRCh37 (hg19) VCF-style: chr20-10620249-G-A.
Other names: short protein forms P1185L.
Identifiers: ClinVar variation 2009815 (VCV002009815.4), dbSNP rs1177139139, ClinGen allele CA408242529.